The following is an entry in ClinVar:

ClinVar aggregate classification (germline): Uncertain significance. Review status: criteria provided, multiple submitters, no conflicts (2 of 4 stars). 3 submissions from 3 submitters: Uncertain significance (3). Last evaluated 2024-08-08.

Allele frequency attached by ClinVar (database versions not stated): gnomAD exomes 0.00002; ExAC 0.00010; gnomAD 0.00022; TOPMed 0.00028; ESP Exome Variant Server 0.00040; 1000 Genomes Project 0.00060.

Submissions (3):

GeneDx
Classification: Uncertain significance. Last evaluated: 2024-08-08. Review status: criteria provided, single submitter. Criteria: GeneDx Variant Classification Process June 2021. Collection method: clinical testing. Allele origin: germline. Affected: yes.
Comment: Frameshift variant predicted to result in protein truncation or nonsense mediated decay in a gene for which loss of function is a known mechanism of disease; Has not been previously published as pathogenic or benign to our knowledge

Labcorp Genetics (formerly Invitae), Labcorp
Classification: Uncertain significance. Last evaluated: 2022-01-05. Review status: criteria provided, single submitter. Criteria: Invitae Variant Classification Sherloc (09022015). Collection method: clinical testing. Allele origin: germline.
Comment: This sequence change creates a premature translational stop signal (p.Gly71Argfs*31) in the FLAD1 gene. However, it is currently unclear if variants that occur in this region of the gene cause disease. This variant is present in population databases (rs544864359, gnomAD 0.1%). This variant has not been reported in the literature in individuals affected with FLAD1-related conditions. Experimental studies and prediction algorithms are not available or were not evaluated, and the functional significance of this variant is currently unknown. In summary, the available evidence is currently insufficient to determine the role of this variant in disease. Therefore, it has been classified as a Variant of Uncertain Significance.

Blueprint Genetics
Classification: Uncertain significance. Last evaluated: 2019-11-13. Review status: criteria provided, single submitter. Criteria: ACMG Guidelines, 2015. Collection method: clinical testing. Allele origin: germline.

NM_025207.5(FLAD1):c.210dup (p.Gly71fs)

Gene: FLAD1 (flavin adenine dinucleotide synthetase 1; plus strand). Cytogenetic location: 1q21.3.
Variant type: Duplication.
Coding change: c.210dup on transcript NM_025207.5 (MANE Select); coding-DNA position 210, one base duplicated (A; older notation c.210dupA).
Protein change: p.Gly71fs; shifts the reading frame from glycine 71.
Molecular consequence: frameshift variant. On other transcripts: 5 prime UTR variant (3).
Genome position (GRCh38, 1-based): chr1:154,983,904, A duplicated. VCF-style (leftmost placement, unchanged base first): chr1-154983903-C-CA. GRCh37 (hg19) VCF-style: chr1-154956379-C-CA.
Other names: c.-82dup (NM_001184891.2, NM_201398.3); c.-727dup (NM_001184892.2); c.210dup (NM_025207.4); short protein forms G71fs.
Identifiers: ClinVar variation 2078879 (VCV002078879.3), dbSNP rs544864359, ClinGen allele CA1134254.